The following is an entry in ClinVar:

NM_005546.4(ITK):c.765C>A (p.Asp255Glu)

Gene: ITK (IL2 inducible T cell kinase; plus strand). Cytogenetic location: 5q33.3.
Variant type: single nucleotide variant.
Coding change: c.765C>A on transcript NM_005546.4 (MANE Select); coding-DNA position 765, C replaced by A.
Protein change: p.Asp255Glu; replaces aspartic acid 255 with glutamic acid.
Molecular consequence: missense variant.
Genome position (GRCh38, 1-based): chr5:157,232,391, C>A. VCF-style: chr5-157232391-C-A. GRCh37 (hg19) VCF-style: chr5-156659401-C-A.
Other names: short protein forms D255E.
Identifiers: ClinVar variation 3700545 (VCV003700545.2).
Genomic context (GRCh38, chr5:157,232,391, plus strand): 5'-TGCTTTCAGGTGGTACAATAAGAGTATCAGCCGAGACAAAGCTGAAAAACTTCTTTTGGA[C>A]ACAGTAAGTCTCCTTAACCTGTCTTTTGACATAAAATAAAATGAATTAAGTGCACTGTCT-3'
Protein context (NP_005537.3, residues 245-265): SRDKAEKLLL[Asp255Glu]TGKEGAFMVR

ClinVar aggregate classification (germline): Uncertain significance (1 of 4 stars; one submission).

Conditions:
Lymphoproliferative syndrome 1 (LPFS1). Identifiers: Orphanet 238505, Orphanet 538963, MedGen C3552634, MONDO:0013081, OMIM 613011.

Submission:

Labcorp Genetics (formerly Invitae), Labcorp
Classification: Uncertain significance for Lymphoproliferative syndrome 1. Last evaluated: 2024-05-26. Review status: criteria provided, single submitter. Criteria: Invitae Variant Classification Sherloc (09022015). Collection method: clinical testing. Allele origin: germline.
Comment: This sequence change replaces aspartic acid, which is acidic and polar, with glutamic acid, which is acidic and polar, at codon 255 of the ITK protein (p.Asp255Glu). This variant is not present in population databases (gnomAD no frequency). This variant has not been reported in the literature in individuals affected with ITK-related conditions. Advanced modeling of protein sequence and biophysical properties (such as structural, functional, and spatial information, amino acid conservation, physicochemical variation, residue mobility, and thermodynamic stability) performed at Invitae indicates that this missense variant is not expected to disrupt ITK protein function with a negative predictive value of 95%. In summary, the available evidence is currently insufficient to determine the role of this variant in disease. Therefore, it has been classified as a Variant of Uncertain Significance.